The following is an entry in ClinVar:

NM_004380.3(CREBBP):c.4438G>A (p.Asp1480Asn)

Gene: CREBBP (CREB binding lysine acetyltransferase; minus strand). Cytogenetic location: 16p13.3.
Variant type: single nucleotide variant.
Coding change: c.4438G>A on transcript NM_004380.3 (MANE Select); coding-DNA position 4438, G replaced by A.
Protein change: p.Asp1480Asn; replaces aspartic acid 1480 with asparagine.
Molecular consequence: missense variant.
Genome position (GRCh38, 1-based): chr16:3,736,772, C>T on the plus strand (G>A on the coding strand, the complement: CREBBP is on the minus strand). VCF-style: chr16-3736772-C-T. GRCh37 (hg19) VCF-style: chr16-3786773-C-T.
Other names: c.4324G>A, p.Asp1442Asn (NM_001079846.1); short protein forms D1442N, D1480N.
Identifiers: ClinVar variation 3349495 (VCV003349495.1).

ClinVar aggregate classification (germline): Uncertain significance (0 of 4 stars; one submission).

Conditions:
CREBBP-related disorder. Also called: CREBBP-related condition; CREBBP-related disorders.

Submission:

PreventionGenetics, part of Exact Sciences
Classification: Uncertain significance for CREBBP-related condition. Last evaluated: 2024-01-04. Review status: no assertion criteria provided. Collection method: clinical testing. Allele origin: germline.
Comment: The CREBBP c.4438G>A variant is predicted to result in the amino acid substitution p.Asp1480Asn. To our knowledge, this variant has not been reported in the literature or in a large population database, indicating this variant is rare. At this time, the clinical significance of this variant is uncertain due to the absence of conclusive functional and genetic evidence.